The following is an entry in ClinVar:

ClinVar aggregate classification (germline): Uncertain significance. Review status: criteria provided, multiple submitters, no conflicts (2 of 4 stars). 2 submissions from 2 submitters: Uncertain significance (2). Last evaluated 2025-07-09.

Conditions:
Cardiovascular phenotype. Identifiers: MedGen CN230736.
Hereditary cancer-predisposing syndrome. Also called: Neoplastic Syndromes, Hereditary; Tumor predisposition; Hereditary Cancer Syndrome; Hereditary neoplastic syndrome. Identifiers: Orphanet 140162, MedGen C0027672, MeSH D009386, MONDO:0015356.

gnomAD v4.1: 1 of 1,604,000 alleles (0.000062%); highest among the groups gnomAD compares: Non-Finnish European, 0.000085%; no homozygotes.

Submissions (2):

Labcorp Genetics (formerly Invitae), Labcorp
Classification: Uncertain significance. Last evaluated: 2025-07-09. Review status: criteria provided, single submitter. Criteria: Invitae Variant Classification Sherloc (09022015). Collection method: clinical testing. Allele origin: germline.
Comment: This sequence change replaces proline, which is neutral and non-polar, with arginine, which is basic and polar, at codon 281 of the LZTR1 protein (p.Pro281Arg). This variant is not present in population databases (gnomAD no frequency). This variant has not been reported in the literature in individuals affected with LZTR1-related conditions. ClinVar contains an entry for this variant (Variation ID: 1763343). Invitae Evidence Modeling of protein sequence and biophysical properties (such as structural, functional, and spatial information, amino acid conservation, physicochemical variation, residue mobility, and thermodynamic stability) indicates that this missense variant is not expected to disrupt LZTR1 protein function with a negative predictive value of 80%. This variant disrupts the p.Pro281 amino acid residue in LZTR1. Other variant(s) that disrupt this residue have been determined to be pathogenic (PMID: 29409008; internal data). This suggests that this residue is clinically significant, and that variants that disrupt this residue are likely to be disease-causing. In summary, the available evidence is currently insufficient to determine the role of this variant in disease. Therefore, it has been classified as a Variant of Uncertain Significance.

Ambry Genetics
Classification: Uncertain significance for Cardiovascular phenotype; Hereditary cancer-predisposing syndrome. Last evaluated: 2022-09-06. Review status: criteria provided, single submitter. Criteria: Ambry Variant Classification Scheme 2023. Collection method: clinical testing. Allele origin: germline.
Comment: The p.P281R variant (also known as c.842C>G), located in coding exon 9 of the LZTR1 gene, results from a C to G substitution at nucleotide position 842. The proline at codon 281 is replaced by arginine, an amino acid with dissimilar properties. Another alteration at the same codon, p.P281L (c.842C>T), has been detected in multiple unrelated individuals with features of Noonan syndrome, as well as schwannomatosis (Louvrier C et al. Neuro Oncol, 2018 06;20:917-929; Ambry internal data). This amino acid position is highly conserved in available vertebrate species. In addition, this alteration is predicted to be deleterious by in silico analysis. Since supporting evidence is limited at this time, the clinical significance of this alteration remains unclear.

Literature cited by the submitters: PubMed 29409008 (cited by Labcorp Genetics (formerly Invitae), Labcorp).

NM_006767.4(LZTR1):c.842C>G (p.Pro281Arg)

Gene: LZTR1 (leucine zipper like post translational regulator 1; plus strand). Cytogenetic location: 22q11.21.
Variant type: single nucleotide variant.
Coding change: c.842C>G on transcript NM_006767.4 (MANE Select); coding-DNA position 842, C replaced by G.
Protein change: p.Pro281Arg; replaces proline 281 with arginine.
Molecular consequence: missense variant.
Genome position (GRCh38, 1-based): chr22:20,991,678, C>G. VCF-style: chr22-20991678-C-G. GRCh37 (hg19) VCF-style: chr22-21345967-C-G.
Other names: short protein forms P281R.
Identifiers: ClinVar variation 1763343 (VCV001763343.7), dbSNP rs1390048261, ClinGen allele CA410781219.